The following is an entry in ClinVar:

ClinVar aggregate classification (germline): Pathogenic (1 of 4 stars; one submission).

Conditions:
Myopathy, centronuclear, 5 (CNM5). Identifiers: Orphanet 169186, MedGen C4014814, MONDO:0014418, OMIM 615959.

Submission:

Women's Health and Genetics/Laboratory Corporation of America, LabCorp
Classification: Pathogenic for Myopathy, centronuclear, 5. Last evaluated: 2024-04-05. Review status: criteria provided, single submitter. Criteria: LabCorp Variant Classification Summary - May 2015. Collection method: clinical testing. Allele origin: germline.
Comment: Variant summary: SPEG c.6618dupC (p.Ala2207ArgfsX116) results in a premature termination codon, predicted to cause a truncation of the encoded protein or absence of the protein due to nonsense mediated decay, which are commonly known mechanisms for disease. The frequency data for this variant in gnomAD is considered unreliable, as metrics indicate poor data quality at this position. To our knowledge, no occurrence of c.6618dupC in individuals affected with Myopathy, Centronuclear, 5 and no experimental evidence demonstrating its impact on protein function have been reported. No submitters have cited clinical-significance assessments for this variant to ClinVar. Based on the evidence outlined above, the variant was classified as pathogenic.

NM_005876.5(SPEG):c.6618dup (p.Ala2207fs)

Genes: ASIC4-AS1 (ASIC4 antisense RNA 1; minus strand), SPEG (striated muscle enriched protein kinase; plus strand). Cytogenetic location: 2q35.
Variant type: Duplication.
Coding change: c.6618dup on transcript NM_005876.5 (MANE Select); coding-DNA position 6618, one base duplicated (C; older notation c.6618dupC).
Protein change: p.Ala2207fs; shifts the reading frame from alanine 2207.
Molecular consequence: frameshift variant.
Genome position (GRCh38, 1-based): chr2:219,484,081, C duplicated; the last of 6 consecutive C bases (chr2:219,484,076-219,484,081); duplicating any one gives the same sequence. VCF-style (leftmost placement, unchanged base first): chr2-219484075-G-GC. GRCh37 (hg19) VCF-style: chr2-220348797-G-GC.
Other names: c.6618dupC (NM_005876.5); short protein forms A2207fs.
Identifiers: ClinVar variation 3251499 (VCV003251499.1), dbSNP rs759644676.